The following is an entry in ClinVar:

ClinVar aggregate classification (germline): Uncertain significance (1 of 4 stars; one submission).

Conditions:
Hereditary cancer-predisposing syndrome. Also called: Neoplastic Syndromes, Hereditary; Tumor predisposition; Hereditary Cancer Syndrome; Hereditary neoplastic syndrome. Identifiers: Orphanet 140162, MedGen C0027672, MeSH D009386, MONDO:0015356.

Submission:

Ambry Genetics
Classification: Uncertain significance for Hereditary cancer-predisposing syndrome. Last evaluated: 2021-11-05. Review status: criteria provided, single submitter. Criteria: Ambry Variant Classification Scheme 2023. Collection method: clinical testing. Allele origin: germline.
Comment: The p.G116E variant (also known as c.347G>A), located in coding exon 3 of the RAD50 gene, results from a G to A substitution at nucleotide position 347. The glycine at codon 116 is replaced by glutamic acid, an amino acid with similar properties. This amino acid position is conserved. In addition, the in silico prediction for this alteration is inconclusive. Since supporting evidence is limited at this time, the clinical significance of this alteration remains unclear.

NM_005732.4(RAD50):c.347G>A (p.Gly116Glu)

Gene: RAD50 (RAD50 double strand break repair protein; plus strand). Cytogenetic location: 5q31.1.
Variant type: single nucleotide variant.
Coding change: c.347G>A on transcript NM_005732.4 (MANE Select); coding-DNA position 347, G replaced by A.
Protein change: p.Gly116Glu; replaces glycine 116 with glutamic acid.
Molecular consequence: missense variant.
Genome position (GRCh38, 1-based): chr5:132,575,910, G>A. VCF-style: chr5-132575910-G-A. GRCh37 (hg19) VCF-style: chr5-131911602-G-A.
Other names: short protein forms G116E.
Identifiers: ClinVar variation 1731836 (VCV001731836.2), dbSNP rs2149836473, ClinGen allele CA360931420.